The following is an entry in ClinVar:

NM_000051.4(ATM):c.877A>T (p.Lys293Ter)

Gene: ATM (ATM serine/threonine kinase; plus strand). Cytogenetic location: 11q22.3.
Variant type: single nucleotide variant.
Coding change: c.877A>T on transcript NM_000051.4 (MANE Select); coding-DNA position 877, A replaced by T.
Protein change: p.Lys293Ter; replaces lysine 293 with a stop codon.
Molecular consequence: nonsense.
Genome position (GRCh38, 1-based): chr11:108,245,002, A>T. VCF-style: chr11-108245002-A-T. GRCh37 (hg19) VCF-style: chr11-108115729-A-T.
Other names: c.877A>T, p.Lys293Ter (NM_001351834.2); short protein forms K293*.
Identifiers: ClinVar variation 370378 (VCV000370378.10), dbSNP rs1057516442, ClinGen allele CA16041383.

ClinVar aggregate classification (germline): Pathogenic. Review status: criteria provided, multiple submitters, no conflicts (2 of 4 stars). 3 submissions from 3 submitters: Pathogenic (2). 1 of the submissions does not count toward it. Last evaluated 2024-01-11.

Conditions:
Familial cancer of breast. Also called: Hereditary breast cancer; BREAST CANCER, FAMILIAL; hereditary breast carcinoma. Identifiers: Orphanet 227535, MedGen C0346153, MONDO:0016419, OMIM 114480. Disease mechanism: loss of function.
Ataxia-telangiectasia syndrome (AT). Also called: ATAXIA-TELANGIECTASIA, COMPLEMENTATION GROUP A; ATAXIA-TELANGIECTASIA, FRESNO VARIANT; Ataxia-telangiectasia; Ataxia telangiectasia (A-T); Cerebello-oculocutaneous telangiectasia; Immunodeficiency with ataxia telangiectasia. Identifiers: Orphanet 100, MedGen C0004135, MONDO:0008840, OMIM 208900.

Submissions (3):

Myriad Genetics, Inc.
Classification: Pathogenic for Familial cancer of breast. Last evaluated: 2024-01-11. Review status: criteria provided, single submitter. Criteria: Myriad Autosomal Dominant, Autosomal Recessive and X-Linked Classification Criteria (2023). Collection method: clinical testing. Allele origin: unknown.
Comment: This variant is considered pathogenic. This variant creates a termination codon and is predicted to result in premature protein truncation.

Labcorp Genetics (formerly Invitae), Labcorp
Classification: Pathogenic for Ataxia-telangiectasia syndrome. Last evaluated: 2023-05-05. Review status: criteria provided, single submitter. Criteria: Invitae Variant Classification Sherloc (09022015). Collection method: clinical testing. Allele origin: germline.
Comment: ClinVar contains an entry for this variant (Variation ID: 370378). For these reasons, this variant has been classified as Pathogenic. This variant has not been reported in the literature in individuals affected with ATM-related conditions. This variant is not present in population databases (gnomAD no frequency). This sequence change creates a premature translational stop signal (p.Lys293*) in the ATM gene. It is expected to result in an absent or disrupted protein product. Loss-of-function variants in ATM are known to be pathogenic (PMID: 23807571, 25614872).

Counsyl
Classification: Likely pathogenic for Ataxia-telangiectasia syndrome. Last evaluated: 2016-01-27. Review status: no assertion criteria provided. Collection method: clinical testing. Allele origin: unknown. Not counted in ClinVar's aggregate classification.

Literature cited by the submitters: PubMed 23807571 (cited by Labcorp Genetics (formerly Invitae), Labcorp); PubMed 25614872 (cited by Labcorp Genetics (formerly Invitae), Labcorp); PubMed 23585524 (cited by Counsyl).